The following is an entry in ClinVar:

NM_000051.4(ATM):c.5061T>G (p.Ala1687=)

Gene: ATM (ATM serine/threonine kinase; plus strand). Cytogenetic location: 11q22.3.
Variant type: single nucleotide variant.
Coding change: c.5061T>G on transcript NM_000051.4 (MANE Select); coding-DNA position 5061, T replaced by G.
Protein change: p.Ala1687=; no amino-acid change (alanine 1687 retained).
Molecular consequence: synonymous variant.
Genome position (GRCh38, 1-based): chr11:108,299,769, T>G. VCF-style: chr11-108299769-T-G. GRCh37 (hg19) VCF-style: chr11-108170496-T-G.
Other names: c.5061T>G, p.Ala1687= (NM_001351834.2).
Identifiers: ClinVar variation 2587769 (VCV002587769.3), dbSNP rs1555104600, ClinGen allele CA476674685.
Genomic context (GRCh38, chr11:108,299,769, plus strand): 5'-TGTAGAGGCTGTTGGAAGCTGCTTGGGAGAAGTGGGTCCTATAGATTTCTCTACCATAGC[T>G]ATACAACATAGTAAAGATGCATCTTATACCAAGGCCCTTAAGTTATTTGAAGATAAAGAA-3'
Protein context (NP_000042.3, residues 1677-1697): EVGPIDFSTI[Ala1687=]IQHSKDASYT

ClinVar aggregate classification (germline): Benign/Likely benign. Review status: criteria provided, multiple submitters, no conflicts (2 of 4 stars). 2 submissions from 2 submitters: Benign (1); Likely benign (1). Last evaluated 2024-05-22.

Conditions:
Hereditary cancer-predisposing syndrome. Also called: Tumor predisposition; Hereditary Cancer Syndrome; Hereditary neoplastic syndrome; Neoplastic Syndromes, Hereditary. Identifiers: Orphanet 140162, MedGen C0027672, MeSH D009386, MONDO:0015356.
Familial cancer of breast. Also called: BREAST CANCER, FAMILIAL; Hereditary breast cancer; hereditary breast carcinoma. Identifiers: Orphanet 227535, MedGen C0346153, MONDO:0016419, OMIM 114480. Disease mechanism: loss of function.

Submissions (2):

Myriad Genetics, Inc.
Classification: Benign for Familial cancer of breast. Last evaluated: 2024-05-22. Review status: criteria provided, single submitter. Criteria: Myriad Autosomal Dominant, Autosomal Recessive and X-Linked Classification Criteria (2023). Collection method: clinical testing. Allele origin: unknown.
Comment: This variant is considered benign. This variant is a silent/synonymous amino acid change and it is not expected to impact splicing.

Ambry Genetics
Classification: Likely benign for Hereditary cancer-predisposing syndrome. Last evaluated: 2023-06-28. Review status: criteria provided, single submitter. Criteria: Ambry Variant Classification Scheme 2023. Collection method: clinical testing. Allele origin: germline.